The following is an entry in ClinVar:

NM_000391.4(TPP1):c.69G>A (p.Pro23=)

Gene: TPP1 (tripeptidyl peptidase 1; minus strand). Cytogenetic location: 11p15.4.
Variant type: single nucleotide variant.
Coding change: c.69G>A on transcript NM_000391.4 (MANE Select); coding-DNA position 69, G replaced by A.
Protein change: p.Pro23=; no amino-acid change (proline 23 retained).
Molecular consequence: synonymous variant.
Genome position (GRCh38, 1-based): chr11:6,619,216, C>T on the plus strand (G>A on the coding strand, the complement: TPP1 is on the minus strand). VCF-style: chr11-6619216-C-T. GRCh37 (hg19) VCF-style: chr11-6640447-C-T.
Identifiers: ClinVar variation 379081 (VCV000379081.20), dbSNP rs141680923, ClinGen allele CA5859074.

ClinVar aggregate classification (germline): Likely benign. Review status: criteria provided, multiple submitters, no conflicts (2 of 4 stars). 5 submissions from 5 submitters: Likely benign (4). 1 of the submissions does not count toward it. Last evaluated 2025-11-09.

Conditions:
Inborn genetic diseases. Identifiers: MedGen C0950123, MeSH D030342.
TPP1-related disorder. Also called: TPP1-related condition.

Allele frequency attached by ClinVar (database versions not stated): gnomAD 0.00001; ExAC 0.00002; TOPMed 0.00002; ESP Exome Variant Server 0.00015.

Submissions (5):

Labcorp Genetics (formerly Invitae), Labcorp
Classification: Likely benign. Last evaluated: 2025-11-09. Review status: criteria provided, single submitter. Criteria: Invitae Variant Classification Sherloc (09022015). Collection method: clinical testing. Allele origin: germline.

Blueprint Genetics
Classification: Likely benign. Last evaluated: 2022-04-20. Review status: criteria provided, single submitter. Criteria: ACMG Guidelines, 2015. Collection method: clinical testing. Allele origin: germline.

GeneDx
Classification: Likely benign. Last evaluated: 2019-01-29. Review status: criteria provided, single submitter. Criteria: GeneDx Variant Classification Process June 2021. Collection method: clinical testing. Allele origin: germline. Affected: yes.

Ambry Genetics
Classification: Likely benign for Inborn genetic diseases. Last evaluated: 2016-07-08. Review status: criteria provided, single submitter. Criteria: Ambry Variant Classification Scheme 2023. Collection method: clinical testing. Allele origin: germline.

PreventionGenetics, part of Exact Sciences
Classification: Likely benign for TPP1-related condition. Last evaluated: 2019-06-06. Review status: no assertion criteria provided. Collection method: clinical testing. Allele origin: germline. Not counted in ClinVar's aggregate classification.
Comment: This variant is classified as likely benign based on ACMG/AMP sequence variant interpretation guidelines (Richards et al. 2015 PMID: 25741868, with internal and published modifications).